The following is an entry in ClinVar:

NM_000074.3(CD40LG):c.116C>A (p.Ser39Ter)

Gene: CD40LG (CD40 ligand; plus strand). Cytogenetic location: Xq26.3.
Variant type: single nucleotide variant.
Coding change: c.116C>A on transcript NM_000074.3 (MANE Select); coding-DNA position 116, C replaced by A.
Protein change: p.Ser39Ter; replaces serine 39 with a stop codon.
Molecular consequence: nonsense.
Genome position (GRCh38, 1-based): chrX:136,648,364, C>A. VCF-style: chrX-136648364-C-A. GRCh37 (hg19) VCF-style: chrX-135730523-C-A.
Other names: short protein forms S39*.
Identifiers: ClinVar variation 3724512 (VCV003724512.2).

ClinVar aggregate classification (germline): Pathogenic (1 of 4 stars; one submission).

Conditions:
Hyper-IgM syndrome type 1. Also called: Hyper-IgM Immunodeficiency Syndrome, Type 1; CD40 Ligand Deficiency; X-linked hyper-IgM syndrome; Immunodeficiency, X-linked, with hyper-IgM. Identifiers: Orphanet 101088, MedGen C0398689, MONDO:0010626, OMIM 308230.

Submission:

Labcorp Genetics (formerly Invitae), Labcorp
Classification: Pathogenic for Hyper-IgM syndrome type 1. Last evaluated: 2024-05-31. Review status: criteria provided, single submitter. Criteria: Invitae Variant Classification Sherloc (09022015). Collection method: clinical testing. Allele origin: germline.
Comment: This sequence change creates a premature translational stop signal (p.Ser39*) in the CD40LG gene. It is expected to result in an absent or disrupted protein product. Loss-of-function variants in CD40LG are known to be pathogenic (PMID: 15319456). This variant is not present in population databases (gnomAD no frequency). This premature translational stop signal has been observed in individual(s) with X-Linked hyper IgM syndrome (PMID: 7717401). Algorithms developed to predict the effect of sequence changes on RNA splicing suggest that this variant may disrupt the consensus splice site. For these reasons, this variant has been classified as Pathogenic.

Literature cited by the submitters: PubMed 15319456; PubMed 7717401.